The following is an entry in ClinVar:

NM_024301.5(FKRP):c.266C>G (p.Pro89Arg)

Gene: FKRP (fukutin related protein; plus strand). Cytogenetic location: 19q13.32.
Variant type: single nucleotide variant.
Coding change: c.266C>G on transcript NM_024301.5 (MANE Select); coding-DNA position 266, C replaced by G.
Protein change: p.Pro89Arg; replaces proline 89 with arginine.
Molecular consequence: missense variant.
Genome position (GRCh38, 1-based): chr19:46,755,716, C>G. VCF-style: chr19-46755716-C-G. GRCh37 (hg19) VCF-style: chr19-47258973-C-G.
Other names: c.266C>G, p.Pro89Arg (NM_001039885.3); short protein forms P89R.
Identifiers: ClinVar variation 4816131 (VCV004816131.1).

ClinVar aggregate classification (germline): Likely pathogenic (1 of 4 stars; one submission).

Conditions:
Autosomal recessive limb-girdle muscular dystrophy type 2I. Also called: MUSCULAR DYSTROPHY-DYSTROGLYCANOPATHY (LIMB-GIRDLE), TYPE C, 5; MUSCULAR DYSTROPHY-DYSTROGLYCANOPATHY, LIMB-GIRDLE, FRKP-RELATED; MUSCULAR DYSTROPHY, LIMB-GIRDLE, TYPE 2I. Identifiers: Orphanet 34515, MedGen C1846672, MONDO:0011787, OMIM 607155.

Submission:

Natera, Inc.
Classification: Likely pathogenic for Limb-girdle muscular dystrophy type 2I. Last evaluated: 2024-09-09. Review status: criteria provided, single submitter. Criteria: Natera Variant Classification Schema (03/2026). Collection method: clinical testing. Allele origin: germline.
Comment: The c.266C>G variant in FKRP is a missense variant predicted to cause substitution of proline to arginine at amino acid 89. This variant is rare in the general population with a frequency below the threshold expected for the associated phenotype(s). This variant has been observed in one or more individuals affected with the associated recessive disease, as either homozygous or compound heterozygous with a second variant (PMID: 15833426). A different variant at the same position has been determined to be Pathogenic or Likely Pathogenic. Computational prediction algorithms indicate this variant is likely to affect gene or protein function. Given the available evidence, this variant is classified as Likely Pathogenic.

Literature cited by the submitters: PubMed 15833426.